The following is an entry in ClinVar:

NM_018297.4(NGLY1):c.622C>T (p.Gln208Ter)

Gene: NGLY1 (N-glycanase 1; minus strand). Cytogenetic location: 3p24.2.
Variant type: single nucleotide variant.
Coding change: c.622C>T on transcript NM_018297.4 (MANE Select); coding-DNA position 622, C replaced by T.
Protein change: p.Gln208Ter; replaces glutamine 208 with a stop codon.
Molecular consequence: nonsense.
Genome position (GRCh38, 1-based): chr3:25,751,134, G>A on the plus strand (C>T on the coding strand, the complement: NGLY1 is on the minus strand). VCF-style: chr3-25751134-G-A. GRCh37 (hg19) VCF-style: chr3-25792625-G-A.
Other names: c.622C>T, p.Gln208Ter (NM_001145293.2, NM_001145295.2); c.496C>T, p.Gln166Ter (NM_001145294.2); short protein forms Q166*, Q208*.
Identifiers: ClinVar variation 221578 (VCV000221578.8), dbSNP rs200561967, ClinGen allele CA2289434.

ClinVar aggregate classification (germline): Pathogenic/Likely pathogenic. Review status: criteria provided, multiple submitters, no conflicts (2 of 4 stars). 5 submissions from 5 submitters: Pathogenic (2); Likely pathogenic (1). 2 of the submissions do not count toward it. Last evaluated 2024-05-16.

Conditions:
Congenital disorder of deglycosylation 1. Also called: NGLY1-Related Congenital Disorder of Deglycosylation; NGLY1-deficiency. Identifiers: Orphanet 404454, MedGen CN306977, MONDO:0800044, OMIM 615273.
Congenital disorder of deglycosylation (CDDG). Identifiers: MedGen C3808991, MONDO:0031376.

Allele frequency attached by ClinVar (database versions not stated): gnomAD exomes below 0.00001 and 0.00001; TOPMed below 0.00001; ExAC 0.00001.

Submissions (5):

Fulgent Genetics
Classification: Likely pathogenic for Congenital disorder of deglycosylation 1. Last evaluated: 2024-05-16. Review status: criteria provided, single submitter. Criteria: ACMG Guidelines, 2015. Collection method: clinical testing. Allele origin: germline.

Labcorp Genetics (formerly Invitae), Labcorp
Classification: Pathogenic for Congenital disorder of deglycosylation. Last evaluated: 2024-01-13. Review status: criteria provided, single submitter. Criteria: Invitae Variant Classification Sherloc (09022015). Collection method: clinical testing. Allele origin: germline.
Comment: This sequence change creates a premature translational stop signal (p.Gln208*) in the NGLY1 gene. It is expected to result in an absent or disrupted protein product. Loss-of-function variants in NGLY1 are known to be pathogenic (PMID: 24651605). This variant is present in population databases (rs200561967, gnomAD 0.0009%). This premature translational stop signal has been observed in individual(s) with clinical features of congenital disorder of glycosylation type 1V (PMID: 25900930). ClinVar contains an entry for this variant (Variation ID: 221578). For these reasons, this variant has been classified as Pathogenic.

GeneDx
Classification: Pathogenic. Last evaluated: 2019-03-20. Review status: criteria provided, single submitter. Criteria: GeneDx Variant Classification (06012015). Collection method: clinical testing. Allele origin: germline. Affected: yes.
Comment: The Q208X nonsense variant in the NGLY1 gene has been reported previously in two siblings with features of a NGLY1-related disorder who also had a second variant on the opposite allele (He et al., 2015). This pathogenic variant is predicted to cause loss of normal protein function either through protein truncation or nonsense-mediated mRNA decay. It is not observed at a significant frequency in large population cohorts (Lek et al., 2016). We interpret Q208X as a pathogenic variant.

Medical Biochemical Genetics, National Human Genome institute, NIH, National Institutes of Health
Classification: Pathogenic for NGLY1-CDDG. Last evaluated: 2016-01-07. Review status: no assertion criteria provided. Collection method: clinical testing. Allele origin: inherited. Affected: yes. Observed: 2 variant alleles. Not counted in ClinVar's aggregate classification.

GeneReviews
No classification provided. Condition: Congenital disorder of deglycosylation. Review status: no classification provided. Collection method: literature only. Allele origin: germline. Not counted in ClinVar's aggregate classification.
Comment: Mild impairment

Literature cited by the submitters: PubMed 24651605 (cited by Labcorp Genetics (formerly Invitae), Labcorp); PubMed 25900930 (cited by Labcorp Genetics (formerly Invitae), Labcorp and Medical Biochemical Genetics, National Human Genome institute, NIH, National Institutes of Health); PubMed 27388694 (cited by Medical Biochemical Genetics, National Human Genome institute, NIH, National Institutes of Health and GeneReviews); PubMed 29419975 (cited by GeneReviews).